The following is an entry in ClinVar:

ClinVar aggregate classification (germline): Uncertain significance (1 of 4 stars; one submission).

Conditions:
Cardiovascular phenotype. Identifiers: MedGen CN230736.

gnomAD v4.1: 1 of 1,584,260 alleles (0.000063%); highest among the groups gnomAD compares: South Asian, 0.0011%; no homozygotes.

Submission:

Ambry Genetics
Classification: Uncertain significance for Cardiovascular phenotype. Last evaluated: 2025-02-15. Review status: criteria provided, single submitter. Criteria: Ambry Variant Classification Scheme 2023. Collection method: clinical testing. Allele origin: germline.
Comment: The p.Y693H variant (also known as c.2077T>C), located in coding exon 41 of the TRDN gene, results from a T to C substitution at nucleotide position 2077. The tyrosine at codon 693 is replaced by histidine, an amino acid with similar properties. This amino acid position is conserved. In addition, this alteration is predicted to be tolerated by in silico analysis. Based on the available evidence, the clinical significance of this variant remains unclear.

NM_006073.4(TRDN):c.2077T>C (p.Tyr693His)

Gene: TRDN (triadin; minus strand). Cytogenetic location: 6q22.31.
Variant type: single nucleotide variant.
Coding change: c.2077T>C on transcript NM_006073.4 (MANE Select); coding-DNA position 2077, T replaced by C.
Protein change: p.Tyr693His; replaces tyrosine 693 with histidine.
Molecular consequence: missense variant.
Genome position (GRCh38, 1-based): chr6:123,218,714, A>G on the plus strand (T>C on the coding strand, the complement: TRDN is on the minus strand). VCF-style: chr6-123218714-A-G. GRCh37 (hg19) VCF-style: chr6-123539859-A-G.
Other names: short protein forms Y693H.
Identifiers: ClinVar variation 3810177 (VCV003810177.1).
Genomic context (GRCh38, chr6:123,218,714, plus strand): 5'-CAGGGCGGTCTGCAGGAGTGAAAGGAAACTGAAATCCATAGCCATTGTACCCATCCAAGT[A>G]GACACACTGGAAGAAACTGATGGGACCTAAGGAACAGAGCATGACAGTTTGTTAAAACAT-3'
Protein context (NP_006064.2, residues 683-703): KSPISFFQCV[Tyr693His]LDGYNGYGFQ